The following is an entry in ClinVar:

ClinVar aggregate classification (germline): Uncertain significance (1 of 4 stars; one submission).

Conditions:
Polycystic kidney disease, adult type (PKD1). Also called: Polycystic Kidney Disease 1, Autosomal Dominant; Polycystic kidney disease 1; Polycystic kidney disease 1, severe; Polycystic Kidney, Autosomal Dominant; POLYCYSTIC KIDNEY DISEASE 1 WITH OR WITHOUT POLYCYSTIC LIVER DISEASE; POLYCYSTIC KIDNEY DISEASE, ADULT, TYPE I. Identifiers: MedGen C3149841, MONDO:0008263, OMIM 173900.

Allele frequency attached by ClinVar (database versions not stated): gnomAD exomes below 0.00001.

Submission:

MVZ Medizinische Genetik Mainz
Classification: Uncertain significance for Polycystic kidney disease, adult type. Last evaluated: 2022-09-05. Review status: criteria provided, single submitter. Criteria: UK Practice Guidelines For Variant Classification V4 01 2020. Collection method: clinical testing. Allele origin: germline. Inheritance: Autosomal dominant inheritance. Affected: yes. Observed: 1 variant allele.
Comment: ACMG Criteria: BP4, PM2_SUP

NM_001009944.3(PKD1):c.1501C>T (p.His501Tyr)

Gene: PKD1 (polycystin 1, transient receptor potential channel interacting; minus strand). Cytogenetic location: 16p13.3.
Variant type: single nucleotide variant.
Coding change: c.1501C>T on transcript NM_001009944.3 (MANE Select); coding-DNA position 1501, C replaced by T.
Protein change: p.His501Tyr; replaces histidine 501 with tyrosine.
Molecular consequence: missense variant.
Genome position (GRCh38, 1-based): chr16:2,116,938, G>A on the plus strand (C>T on the coding strand, the complement: PKD1 is on the minus strand). VCF-style: chr16-2116938-G-A. GRCh37 (hg19) VCF-style: chr16-2166939-G-A.
Other names: c.1501C>T, p.His501Tyr (NM_000296.4); short protein forms H501Y.
Identifiers: ClinVar variation 3236001 (VCV003236001.1), dbSNP rs2544872195, ClinGen allele CA394391917.